The following is an entry in ClinVar:

ClinVar aggregate classification (germline): Uncertain significance. Review status: criteria provided, multiple submitters, no conflicts (2 of 4 stars). 2 submissions from 2 submitters: Uncertain significance (2). Last evaluated 2025-12-01.

Conditions:
Brugada syndrome. Also called: Sudden unexplained nocturnal death syndrome; Sudden unexpected nocturnal death syndrome; Sudden Unexplained Death Syndrome; Sudden Unexplained Nocturnal Death Syndrome (SUNDS). Identifiers: Orphanet 130, MedGen C1142166, MONDO:0015263.
Cardiovascular phenotype. Identifiers: MedGen CN230736.

Allele frequency attached by ClinVar (database versions not stated): ExAC 0.00001; gnomAD exomes 0.00002 and 0.00001; TOPMed 0.00002; gnomAD 0.00003.
gnomAD v4.1: 27 of 1,594,860 alleles (0.0017%); highest among the groups gnomAD compares: African/African-American, 0.0027%; no homozygotes.

Submissions (2):

Ambry Genetics
Classification: Uncertain significance for Cardiovascular phenotype. Last evaluated: 2025-12-01. Review status: criteria provided, single submitter. Criteria: Ambry Variant Classification Scheme 2023. Collection method: clinical testing. Allele origin: germline.
Comment: The p.Q1021* variant (also known as c.3061C>T), located in coding exon 16 of the SCN10A gene, results from a C to T substitution at nucleotide position 3061. This changes the amino acid from a glutamine to a stop codon within coding exon 16. The evidence for this gene-disease relationship is limited; therefore, the clinical significance of this alteration is unclear.

Labcorp Genetics (formerly Invitae), Labcorp
Classification: Uncertain significance for Brugada syndrome. Last evaluated: 2022-09-27. Review status: criteria provided, single submitter. Criteria: Invitae Variant Classification Sherloc (09022015). Collection method: clinical testing. Allele origin: germline.
Comment: This sequence change creates a premature translational stop signal (p.Gln1021*) in the SCN10A gene. It is expected to result in an absent or disrupted protein product. However, the current clinical and genetic evidence is not sufficient to establish whether loss-of-function variants in SCN10A cause disease. This variant is present in population databases (rs751252167, gnomAD 0.007%). This variant has not been reported in the literature in individuals affected with SCN10A-related conditions. ClinVar contains an entry for this variant (Variation ID: 463245). In summary, the available evidence is currently insufficient to determine the role of this variant in disease. Therefore, it has been classified as a Variant of Uncertain Significance.

NM_006514.4(SCN10A):c.3061C>T (p.Gln1021Ter)

Genes: SCN10A (sodium voltage-gated channel alpha subunit 10; minus strand), LOC110121288 (VISTA enhancer hs2268; plus strand). Cytogenetic location: 3p22.2.
Variant type: single nucleotide variant.
Coding change: c.3061C>T on transcript NM_006514.4 (MANE Select); coding-DNA position 3061, C replaced by T.
Protein change: p.Gln1021Ter; replaces glutamine 1021 with a stop codon.
Molecular consequence: nonsense.
Genome position (GRCh38, 1-based): chr3:38,726,632, G>A on the plus strand (C>T on the coding strand, the complement: SCN10A is on the minus strand). VCF-style: chr3-38726632-G-A. GRCh37 (hg19) VCF-style: chr3-38768123-G-A.
Other names: c.3061C>T, p.Gln1021Ter (NM_001293306.2); c.2767C>T, p.Gln923Ter (NM_001293307.2); c.3061C>T (NM_006514.2); short protein forms Q1021*, Q923*.
Identifiers: ClinVar variation 463245 (VCV000463245.8), dbSNP rs751252167, ClinGen allele CA2320379.